The following is an entry in ClinVar:

NM_001378452.1(ITPR1):c.3893A>T (p.Asn1298Ile)

Gene: ITPR1 (inositol 1,4,5-trisphosphate receptor type 1; plus strand). Cytogenetic location: 3p26.1.
Variant type: single nucleotide variant.
Coding change: c.3893A>T on transcript NM_001378452.1 (MANE Select); coding-DNA position 3893, A replaced by T.
Protein change: p.Asn1298Ile; replaces asparagine 1298 with isoleucine.
Molecular consequence: missense variant.
Genome position (GRCh38, 1-based): chr3:4,691,208, A>T. VCF-style: chr3-4691208-A-T. GRCh37 (hg19) VCF-style: chr3-4732892-A-T.
Other names: c.3866A>T, p.Asn1289Ile (NM_001099952.4); c.3848A>T, p.Asn1283Ile (NM_001168272.2); c.3821A>T, p.Asn1274Ile (NM_002222.7); short protein forms N1283I, N1298I, N1289I, N1274I.
Identifiers: ClinVar variation 1997421 (VCV001997421.4), dbSNP rs757563485, ClinGen allele CA351630556.

ClinVar aggregate classification (germline): Uncertain significance (1 of 4 stars; one submission).

gnomAD v4.1: 2 of 1,613,402 alleles (0.00012%); highest among the groups gnomAD compares: Non-Finnish European, 0.00017%; no homozygotes.

Submission:

Labcorp Genetics (formerly Invitae), Labcorp
Classification: Uncertain significance. Last evaluated: 2022-05-21. Review status: criteria provided, single submitter. Criteria: Invitae Variant Classification Sherloc (09022015). Collection method: clinical testing. Allele origin: germline.
Comment: In summary, the available evidence is currently insufficient to determine the role of this variant in disease. Therefore, it has been classified as a Variant of Uncertain Significance. Algorithms developed to predict the effect of missense changes on protein structure and function are either unavailable or do not agree on the potential impact of this missense change (SIFT: "Deleterious"; PolyPhen-2: "Possibly Damaging"; Align-GVGD: "Class C0"). This variant has not been reported in the literature in individuals affected with ITPR1-related conditions. This variant is not present in population databases (gnomAD no frequency). This sequence change replaces asparagine, which is neutral and polar, with isoleucine, which is neutral and non-polar, at codon 1274 of the ITPR1 protein (p.Asn1274Ile).